The following is an entry in ClinVar:

NC_000005.9:g.(74685513_74695134)_(74695213_74696029)del

Gene: CERT1 (ceramide transporter 1; minus strand). Cytogenetic location: 5q13.3.
Variant type: Deletion.
Identifiers: ClinVar variation 4526149 (VCV004526149.1).

ClinVar aggregate classification (germline): Uncertain significance (1 of 4 stars; one submission).

Submission:

Women's Health and Genetics/Laboratory Corporation of America, LabCorp
Classification: Uncertain significance. Last evaluated: 2025-07-28. Review status: criteria provided, single submitter. Criteria: LabCorp Variant Classification Summary - May 2015. Collection method: clinical testing. Allele origin: germline.
Comment: Variant summary: The variant involves the deletion of exon 12 in the CERT1 gene. A presumed nomenclature of c.(1494+1_1495-1)_(1572+1_1573-1)del has been designated for the purposes of this classification. This Copy Number Variant (CNV) is predicted to result in an in-frame deletion within this gene. However, current evidence is not sufficient to establish loss of function as a mechanism for disease. The variant was absent in 21694 control chromosomes. The available data on variant occurrences in the general population are insufficient to allow any conclusion about variant significance. To our knowledge, no occurrence of c.(1494+1_1495-1)_(1572+1_1573-1)del in individuals affected with Intellectual disability, autosomal dominant 34 and no experimental evidence demonstrating its impact on protein function have been reported. No submitters have cited clinical-significance assessments for this variant to ClinVar. Based on the evidence outlined above, the variant was classified as uncertain significance.